The following is an entry in ClinVar:

ClinVar aggregate classification (germline): Uncertain significance (1 of 4 stars; one submission).

Allele frequency attached by ClinVar (database versions not stated): gnomAD exomes below 0.00001.
gnomAD v4.1: 2 of 1,441,174 alleles (0.00014%); highest among the groups gnomAD compares: Non-Finnish European, 0.00018%; no homozygotes.

Submission:

Labcorp Genetics (formerly Invitae), Labcorp
Classification: Uncertain significance. Last evaluated: 2022-05-05. Review status: criteria provided, single submitter. Criteria: Invitae Variant Classification Sherloc (09022015). Collection method: clinical testing. Allele origin: germline.
Comment: In summary, the available evidence is currently insufficient to determine the role of this variant in disease. Therefore, it has been classified as a Variant of Uncertain Significance. Algorithms developed to predict the effect of missense changes on protein structure and function are either unavailable or do not agree on the potential impact of this missense change (SIFT: "Not Available"; PolyPhen-2: "Possibly Damaging"; Align-GVGD: "Not Available"). This missense change has been observed in individual(s) with a neurodevelopmental condition (Invitae). This variant is not present in population databases (gnomAD no frequency). This sequence change replaces asparagine, which is neutral and polar, with serine, which is neutral and polar, at codon 438 of the SHANK1 protein (p.Asn438Ser).

NM_016148.5(SHANK1):c.1313A>G (p.Asn438Ser)

Gene: SHANK1 (SH3 and multiple ankyrin repeat domains 1; minus strand). Cytogenetic location: 19q13.33.
Variant type: single nucleotide variant.
Coding change: c.1313A>G on transcript NM_016148.5 (MANE Select); coding-DNA position 1313, A replaced by G.
Protein change: p.Asn438Ser; replaces asparagine 438 with serine.
Molecular consequence: missense variant.
Genome position (GRCh38, 1-based): chr19:50,703,740, T>C on the plus strand (A>G on the coding strand, the complement: SHANK1 is on the minus strand). VCF-style: chr19-50703740-T-C. GRCh37 (hg19) VCF-style: chr19-51206997-T-C.
Other names: short protein forms N438S.
Identifiers: ClinVar variation 1976478 (VCV001976478.5), dbSNP rs2513951512, ClinGen allele CA407035956.